The following is an entry in ClinVar:

ClinVar aggregate classification (germline): Uncertain significance (1 of 4 stars; one submission).

Conditions:
DYRK1B-related disorder. Also called: DYRK1B-related condition.

Submission:

PreventionGenetics, part of Exact Sciences
Classification: Uncertain significance for DYRK1B-related condition. Last evaluated: 2024-10-10. Review status: criteria provided, single submitter. Criteria: ACMG Guidelines, 2015. Collection method: clinical testing. Allele origin: germline.
Comment: The DYRK1B c.1745_1752delinsT variant is predicted to result in a frameshift and premature protein termination (p.Pro582Leufs*13). This variant resides in the final exon of this gene, and it is unclear if the resulting mRNA would undergo nonsense-mediated decay. To our knowledge, this variant has not been reported in the literature or in a large population database (gnomAD), indicating this variant is rare. Although we suspect that this variant may be pathogenic, at this time, the clinical significance of this variant is uncertain due to the absence of conclusive functional and genetic evidence.

NM_004714.3(DYRK1B):c.1745_1752delinsT (p.Pro582fs)

Gene: DYRK1B (dual specificity tyrosine phosphorylation regulated kinase 1B; minus strand). Cytogenetic location: 19q13.2.
Variant type: Indel.
Coding change: c.1745_1752delinsT on transcript NM_004714.3 (MANE Select); coding-DNA positions 1745 to 1752, CTGCCCCC replaced by T.
Protein change: p.Pro582fs; shifts the reading frame from proline 582.
Molecular consequence: frameshift variant.
Genome position (GRCh38, 1-based): chr19:39,825,853-39,825,860, GGGGGCAG replaced by A on the plus strand (CTGCCCCC replaced by T on the coding strand, the reverse complement: DYRK1B is on the minus strand). VCF-style: chr19-39825853-GGGGGCAG-A. GRCh37 (hg19) VCF-style: chr19-40316493-GGGGGCAG-A.
Other names: c.1625_1632delinsT, p.Pro542fs (NM_006483.3); c.1661_1668delinsT, p.Pro554fs (NM_006484.3); short protein forms P542fs, P554fs, P582fs.
Identifiers: ClinVar variation 5000851 (VCV005000851.1).